The following is an entry in ClinVar:

NM_015271.5(TRIM2):c.356G>A (p.Arg119Gln)

Gene: TRIM2 (tripartite motif containing 2; plus strand). Cytogenetic location: 4q31.3.
Variant type: single nucleotide variant.
Coding change: c.356G>A on transcript NM_015271.5 (MANE Select); coding-DNA position 356, G replaced by A.
Protein change: p.Arg119Gln; replaces arginine 119 with glutamine.
Molecular consequence: missense variant. On other transcripts: 5 prime UTR variant (1).
Genome position (GRCh38, 1-based): chr4:153,276,033, G>A. VCF-style: chr4-153276033-G-A. GRCh37 (hg19) VCF-style: chr4-154197185-G-A.
Other names: c.275G>A, p.Arg92Gln (NM_001130067.2, NM_001351056.2, NM_001375512.1 and 5 more transcripts); c.356G>A, p.Arg119Gln (NM_001302692.2, NM_001375488.1, NM_001375490.1 and 1 more transcripts); c.353G>A, p.Arg118Gln (NM_001302693.2, NM_001375489.1, NM_001375491.1 and 1 more transcripts); c.329G>A, p.Arg110Gln (NM_001302694.2, NM_001351054.2); c.326G>A, p.Arg109Gln (NM_001351055.2); c.-202G>A (NM_001351057.2); c.17G>A, p.Arg6Gln (NM_001375522.1, NM_001375523.1, NM_001375525.1); short protein forms R119Q, R6Q, R109Q, R118Q, R92Q, R110Q.
Identifiers: ClinVar variation 3707415 (VCV003707415.2).

ClinVar aggregate classification (germline): Uncertain significance (1 of 4 stars; one submission).

Conditions:
Charcot-Marie-Tooth disease type 2R. Also called: CHARCOT-MARIE-TOOTH DISEASE, AXONAL, AUTOSOMAL RECESSIVE, TYPE 2R; Charcot-Marie-Tooth disease, axonal, type 2R; CHARCOT-MARIE-TOOTH NEUROPATHY, TYPE 2R. Identifiers: Orphanet 397968, MedGen C3809655, MONDO:0014208, OMIM 615490.

gnomAD v4.1: 8 of 1,614,196 alleles (0.0005%); highest among the groups gnomAD compares: Admixed American, 0.0017%; no homozygotes.

Submission:

Labcorp Genetics (formerly Invitae), Labcorp
Classification: Uncertain significance for Charcot-Marie-Tooth disease type 2R. Last evaluated: 2024-11-30. Review status: criteria provided, single submitter. Criteria: Invitae Variant Classification Sherloc (09022015). Collection method: clinical testing. Allele origin: germline.
Comment: This sequence change replaces arginine, which is basic and polar, with glutamine, which is neutral and polar, at codon 92 of the TRIM2 protein (p.Arg92Gln). This variant is present in population databases (rs753281036, gnomAD 0.003%). This variant has not been reported in the literature in individuals affected with TRIM2-related conditions. An algorithm developed to predict the effect of missense changes on protein structure and function (PolyPhen-2) suggests that this variant is likely to be tolerated. In summary, the available evidence is currently insufficient to determine the role of this variant in disease. Therefore, it has been classified as a Variant of Uncertain Significance.